The following is an entry in ClinVar:

ClinVar aggregate classification (germline): Likely pathogenic (1 of 4 stars; one submission).

Allele frequency attached by ClinVar (database versions not stated): gnomAD exomes below 0.00001.
gnomAD v4.1: 2 of 1,614,226 alleles (0.00012%); highest among the groups gnomAD compares: Non-Finnish European, 0.00017%; no homozygotes.

Submission:

GeneDx
Classification: Likely pathogenic. Last evaluated: 2024-10-18. Review status: criteria provided, single submitter. Criteria: GeneDx Variant Classification Process June 2021. Collection method: clinical testing. Allele origin: germline. Affected: yes.
Comment: Not observed at significant frequency in large population cohorts (gnomAD); In silico analysis supports that this missense variant has a deleterious effect on protein structure/function; Has not been previously published as pathogenic or benign to our knowledge; This variant is associated with the following publications: (PMID: 26100331, 25512093, 25609763, 25484024)

NM_001376.5(DYNC1H1):c.1793G>A (p.Arg598His)

Gene: DYNC1H1 (dynein cytoplasmic 1 heavy chain 1; plus strand). Cytogenetic location: 14q32.31.
Variant type: single nucleotide variant.
Coding change: c.1793G>A on transcript NM_001376.5 (MANE Select); coding-DNA position 1793, G replaced by A.
Protein change: p.Arg598His; replaces arginine 598 with histidine.
Molecular consequence: missense variant.
Genome position (GRCh38, 1-based): chr14:101,986,018, G>A. VCF-style: chr14-101986018-G-A. GRCh37 (hg19) VCF-style: chr14-102452355-G-A.
Other names: short protein forms R598H.
Identifiers: ClinVar variation 430529 (VCV000430529.3), dbSNP rs879254085, ClinGen allele CA391019368.